The following is an entry in ClinVar:

NM_016277.5(RAB23):c.608G>A (p.Gly203Asp)

Gene: RAB23 (RAB23, member RAS oncogene family; minus strand). Cytogenetic location: 6p12.1.
Variant type: single nucleotide variant.
Coding change: c.608G>A on transcript NM_016277.5 (MANE Select); coding-DNA position 608, G replaced by A.
Protein change: p.Gly203Asp; replaces glycine 203 with aspartic acid.
Molecular consequence: missense variant. On other transcripts: non-coding transcript variant (1).
Genome position (GRCh38, 1-based): chr6:57,190,567, C>T on the plus strand (G>A on the coding strand, the complement: RAB23 is on the minus strand). VCF-style: chr6-57190567-C-T. GRCh37 (hg19) VCF-style: chr6-57055365-C-T.
Other names: c.608G>A, p.Gly203Asp (NM_001278666.2, NM_001278667.2, NM_001278668.2 and 1 more transcripts); short protein forms G203D.
Identifiers: ClinVar variation 3346497 (VCV003346497.1).

ClinVar aggregate classification (germline): Uncertain significance (0 of 4 stars; one submission).

Conditions:
RAB23-related disorder. Also called: RAB23-related condition.

gnomAD v4.1: 2 of 1,613,938 alleles (0.00012%); highest among the groups gnomAD compares: African/African-American, 0.0027%; no homozygotes.

Submission:

PreventionGenetics, part of Exact Sciences
Classification: Uncertain significance for RAB23-related condition. Last evaluated: 2024-05-17. Review status: no assertion criteria provided. Collection method: clinical testing. Allele origin: germline.
Comment: The RAB23 c.608G>A variant is predicted to result in the amino acid substitution p.Gly203Asp. To our knowledge, this variant has not been reported in the literature or in a large population database, indicating this variant is rare. At this time, the clinical significance of this variant is uncertain due to the absence of conclusive functional and genetic evidence.